The following is an entry in ClinVar:

NM_021930.6(RINT1):c.2161A>G (p.Lys721Glu)

Genes: EFCAB10 (EF-hand calcium binding domain 10; minus strand), RINT1 (RAD50 interactor 1; plus strand). Cytogenetic location: 7q22.3.
Variant type: single nucleotide variant.
Coding change: c.2161A>G on transcript NM_021930.6 (MANE Select); coding-DNA position 2161, A replaced by G.
Protein change: p.Lys721Glu; replaces lysine 721 with glutamic acid.
Molecular consequence: missense variant. On other transcripts: non-coding transcript variant (1), intron variant (3).
Genome position (GRCh38, 1-based): chr7:105,565,623, A>G. VCF-style: chr7-105565623-A-G. GRCh37 (hg19) VCF-style: chr7-105206070-A-G.
Other names: c.1927A>G, p.Lys643Glu (NM_001346599.2); c.1138A>G, p.Lys380Glu (NM_001346600.2, NM_001346603.2); c.1237A>G, p.Lys413Glu (NM_001346601.2); c.360-176T>C (NM_001355531.2); c.384-176T>C (NM_001355526.2); c.384-8T>C (NM_001355530.2); short protein forms K380E, K413E, K643E, K721E.
Identifiers: ClinVar variation 1005850 (VCV001005850.9), dbSNP rs1562862416, ClinGen allele CA368815278.

ClinVar aggregate classification (germline): Uncertain significance. Review status: criteria provided, multiple submitters, no conflicts (2 of 4 stars). 2 submissions from 2 submitters: Uncertain significance (2). Last evaluated 2023-12-04.

Allele frequency attached by ClinVar (database versions not stated): gnomAD exomes below 0.00001; TOPMed 0.00001.
gnomAD v4.1: 1 of 1,609,066 alleles (0.000062%); highest among the groups gnomAD compares: Non-Finnish European, 0.000085%; no homozygotes.

Submissions (2):

Ambry Genetics
Classification: Uncertain significance. Last evaluated: 2023-12-04. Review status: criteria provided, single submitter. Criteria: Ambry Variant Classification Scheme 2023. Collection method: clinical testing. Allele origin: germline.
Comment: The p.K721E variant (also known as c.2161A>G), located in coding exon 14 of the RINT1 gene, results from an A to G substitution at nucleotide position 2161. The lysine at codon 721 is replaced by glutamic acid, an amino acid with similar properties. This amino acid position is conserved. In addition, the in silico prediction for this alteration is inconclusive. Since supporting evidence is limited at this time, the clinical significance of this alteration remains unclear.

Labcorp Genetics (formerly Invitae), Labcorp
Classification: Uncertain significance. Last evaluated: 2017-05-13. Review status: criteria provided, single submitter. Criteria: Invitae Variant Classification Sherloc (09022015). Collection method: clinical testing. Allele origin: germline.
Comment: Algorithms developed to predict the effect of missense changes on protein structure and function do not agree on the potential impact of this missense change (SIFT: "Deleterious"; PolyPhen-2: "Benign"; Align-GVGD: "Class C0"). In summary, this variant is a novel missense change with uncertain impact on protein function. It has been classified as a Variant of Uncertain Significance. This variant is not present in population databases (ExAC no frequency) and has not been reported in the literature in individuals with a RINT1-related disease. This sequence change replaces lysine with glutamic acid at codon 721 of the RINT1 protein (p.Lys721Glu). The lysine residue is highly conserved and there is a small physicochemical difference between lysine and glutamic acid.